The following is an entry in ClinVar:

NC_000015.9:g.(?_28272997)_(28277329_?)del

Gene: OCA2 (OCA2 melanosomal transmembrane protein; minus strand). Cytogenetic location: 15q13.1.
Variant type: Deletion.
Identifiers: ClinVar variation 3243850 (VCV003243850.1).

ClinVar aggregate classification (germline): Pathogenic (1 of 4 stars; one submission).

Submission:

Labcorp Genetics (formerly Invitae), Labcorp
Classification: Pathogenic. Last evaluated: 2023-11-05. Review status: criteria provided, single submitter. Criteria: Invitae Variant Classification Sherloc (09022015). Collection method: clinical testing. Allele origin: unknown.
Comment: This variant is a gross deletion of the genomic region encompassing exon(s) 3-4 of the OCA2 gene. This variant would be expected to be in-frame, preserving the integrity of the reading frame. This variant has not been reported in the literature in individuals affected with OCA2-related conditions. This variant disrupts a region of the OCA2 protein in which other variant(s) (p.Glu96Ala) have been determined to be pathogenic (PMID: 19060277, 27734839, 29345414; Invitae). This suggests that this is a clinically significant region of the protein, and that variants that disrupt it are likely to be disease-causing. For these reasons, this variant has been classified as Pathogenic.

Literature cited by the submitters: PubMed 19060277; PubMed 27734839; PubMed 29345414.